The following is an entry in ClinVar:

ClinVar aggregate classification (germline): Uncertain significance (1 of 4 stars; one submission).

Conditions:
Adenylosuccinate lyase deficiency (ADSLD). Also called: ADSL DEFICIENCY. Identifiers: Orphanet 46, MedGen C0268126, MONDO:0007068, OMIM 103050.

Allele frequency attached by ClinVar (database versions not stated): ExAC 0.00001.
gnomAD v4.1: 6 of 1,614,130 alleles (0.00037%); highest among the groups gnomAD compares: Admixed American, 0.0017%; no homozygotes.

Submission:

Labcorp Genetics (formerly Invitae), Labcorp
Classification: Uncertain significance for Adenylosuccinate lyase deficiency. Last evaluated: 2022-07-26. Review status: criteria provided, single submitter. Criteria: Invitae Variant Classification Sherloc (09022015). Collection method: clinical testing. Allele origin: germline.
Comment: This sequence change replaces arginine, which is basic and polar, with cysteine, which is neutral and slightly polar, at codon 171 of the ADSL protein (p.Arg171Cys). This variant is present in population databases (rs775298300, gnomAD 0.003%). This variant has not been reported in the literature in individuals affected with ADSL-related conditions. Advanced modeling of protein sequence and biophysical properties (such as structural, functional, and spatial information, amino acid conservation, physicochemical variation, residue mobility, and thermodynamic stability) performed at Invitae indicates that this missense variant is expected to disrupt ADSL protein function. In summary, the available evidence is currently insufficient to determine the role of this variant in disease. Therefore, it has been classified as a Variant of Uncertain Significance.

NM_000026.4(ADSL):c.511C>T (p.Arg171Cys)

Gene: ADSL (adenylosuccinate lyase; plus strand). Cytogenetic location: 22q13.1.
Variant type: single nucleotide variant.
Coding change: c.511C>T on transcript NM_000026.4 (MANE Select); coding-DNA position 511, C replaced by T.
Protein change: p.Arg171Cys; replaces arginine 171 with cysteine.
Molecular consequence: missense variant. On other transcripts: non-coding transcript variant (1).
Genome position (GRCh38, 1-based): chr22:40,358,892, C>T. VCF-style: chr22-40358892-C-T. GRCh37 (hg19) VCF-style: chr22-40754896-C-T.
Other names: c.511C>T, p.Arg171Cys (NM_001123378.3, NM_001363840.3, NM_001410812.1 and 1 more transcripts); c.319C>T, p.Arg107Cys (NM_001317923.2); c.466C>T, p.Arg156Cys (NM_001410814.1); short protein forms R107C, R156C, R171C.
Identifiers: ClinVar variation 2159469 (VCV002159469.1), dbSNP rs775298300, ClinGen allele CA10247752.